The following is an entry in ClinVar:

ClinVar aggregate classification (germline): Pathogenic/Likely pathogenic. Review status: criteria provided, multiple submitters, no conflicts (2 of 4 stars). 4 submissions from 4 submitters: Pathogenic (1); Likely pathogenic (2). 1 of the submissions does not count toward it. Last evaluated 2024-09-27.

Conditions:
Dyskeratosis congenita, autosomal recessive 5 (DKCB5). Identifiers: MedGen C3554656, MONDO:0014076, OMIM 615190.
Pulmonary fibrosis and/or bone marrow failure, Telomere-related, 3. Also called: PULMONARY FIBROSIS AND/OR BONE MARROW FAILURE SYNDROME, TELOMERE-RELATED, 3. Identifiers: Orphanet 2032, MedGen C4225346, MONDO:0014613, OMIM 616373.
Dyskeratosis congenita. Identifiers: Orphanet 1775, MedGen C0265965, MONDO:0015780.

Submissions (4):

Labcorp Genetics (formerly Invitae), Labcorp
Classification: Pathogenic for Dyskeratosis congenita, autosomal recessive 5; Pulmonary fibrosis and/or bone marrow failure, Telomere-related, 3. Last evaluated: 2024-09-27. Review status: criteria provided, single submitter. Criteria: Invitae Variant Classification Sherloc (09022015). Collection method: clinical testing. Allele origin: germline.
Comment: This sequence change creates a premature translational stop signal (p.Ser863Argfs*40) in the RTEL1 gene. It is expected to result in an absent or disrupted protein product. Loss-of-function variants in RTEL1 are known to be pathogenic (PMID: 23453664, 23959892, 25607374). This variant is present in population databases (rs752833281, gnomAD 0.0009%). This variant has not been reported in the literature in individuals affected with RTEL1-related conditions. ClinVar contains an entry for this variant (Variation ID: 555667). For these reasons, this variant has been classified as Pathogenic.

Natera, Inc.
Classification: Likely pathogenic for Dyskeratosis congenita. Last evaluated: 2024-04-25. Review status: criteria provided, single submitter. Criteria: Natera Variant Classification Schema (03/2026). Collection method: clinical testing. Allele origin: germline.
Comment: The c.2659_2662delTCTG variant in RTEL1 is a frameshift variant predicted to shift the reading frame beginning at codon 887 and leads to a stop codon 40 codons downstream. This variant is expected to result in nonsense mediated decay, truncation, or a dysfunctional protein product. This variant is rare in the general population with a frequency below the threshold expected for the associated phenotype(s). Given the available evidence, this variant is classified as Likely Pathogenic.

Baylor Genetics
Classification: Likely pathogenic for Dyskeratosis congenita, autosomal recessive 5. Last evaluated: 2023-07-11. Review status: criteria provided, single submitter. Criteria: ACMG Guidelines, 2015. Collection method: clinical testing. Allele origin: unknown.

Counsyl
Classification: Likely pathogenic for Dyskeratosis congenita, autosomal recessive 5. Last evaluated: 2017-12-19. Review status: no assertion criteria provided. Collection method: clinical testing. Allele origin: unknown. Not counted in ClinVar's aggregate classification.

Literature cited by the submitters: PubMed 23453664 (cited by Labcorp Genetics (formerly Invitae), Labcorp); PubMed 23959892 (cited by Labcorp Genetics (formerly Invitae), Labcorp); PubMed 25607374 (cited by Labcorp Genetics (formerly Invitae), Labcorp).

NM_001283009.2(RTEL1):c.2587_2590del (p.Ser863fs)

Genes: RTEL1 (regulator of telomere elongation helicase 1; plus strand), RTEL1-TNFRSF6B (RTEL1-TNFRSF6B readthrough (NMD candidate); plus strand). Cytogenetic location: 20q13.33.
Variant type: Deletion.
Coding change: c.2587_2590del on transcript NM_001283009.2 (MANE Select); coding-DNA positions 2587 to 2590, 4 bases deleted (TCTG; older notation c.2587_2590delTCTG).
Protein change: p.Ser863fs; shifts the reading frame from serine 863.
Molecular consequence: frameshift variant. On other transcripts: non-coding transcript variant (1).
Genome position (GRCh38, 1-based): chr20:63,691,772-63,691,775, TCTG deleted; deleting any 4 consecutive bases within chr20:63,691,769-63,691,775 gives the same sequence; the c. name uses the placement nearest the transcript's 3' end. VCF-style (leftmost placement, unchanged base first): chr20-63691768-CCTGT-C. GRCh37 (hg19) VCF-style: chr20-62323121-CCTGT-C.
Other names: c.2659_2662delTCTG (NM_032957.4); c.1918_1921del, p.Ser640fs (NM_001283010.1); c.2587_2590del, p.Ser863fs (NM_016434.4); c.2659_2662del, p.Ser887fs (NM_032957.5); short protein forms S640fs, S863fs, S887fs.
Identifiers: ClinVar variation 555667 (VCV000555667.9), dbSNP rs752833281, ClinGen allele CA9965421.
Genomic context (GRCh38, chr20:63,691,768, plus strand): 5'-GTCTGTGTGTGGTTGTGAGCTGTGTCCTCCTCAGGCCCACAGCTGCTCCACCCTGTCCCT[CCTGT>C]CTGAGAAGAGGCCGGCAGAAGAACCGCGAGGAGGGAGGAAGAAGATCCGGCTGGTCAGCC-3'